The following is an entry in ClinVar:

NM_000081.4(LYST):c.11195+124G>A

Gene: LYST (lysosomal trafficking regulator; minus strand). Cytogenetic location: 1q42.3.
Variant type: single nucleotide variant.
Coding change: c.11195+124G>A on transcript NM_000081.4 (MANE Select); 124 bases into the intron after coding-DNA position 11195, G replaced by A.
Molecular consequence: intron variant.
Genome position (GRCh38, 1-based): chr1:235,664,341, C>T on the plus strand (G>A on the coding strand, the complement: LYST is on the minus strand). VCF-style: chr1-235664341-C-T. GRCh37 (hg19) VCF-style: chr1-235827641-C-T.
Other names: NC_000001.10:g.235827641C>T; c.11195+124G>A (NM_001301365.1).
Identifiers: ClinVar variation 684368 (VCV000684368.3), dbSNP rs12092604, ClinGen allele CA15136912.

ClinVar aggregate classification (germline): Benign. Review status: criteria provided, multiple submitters, no conflicts (2 of 4 stars). 2 submissions from 2 submitters: Benign (2). Last evaluated 2018-06-19.

Allele frequency attached by ClinVar (database versions not stated): 1000 Genomes Project 0.40296; 1000 Genomes Project 30x 0.41552; gnomAD exomes 0.46545; TOPMed 0.53713; gnomAD 0.53847 and 0.55911.
gnomAD v4.1: 431,935 of 903,930 alleles (48%); highest among the groups gnomAD compares: African/African-American, 72%; 112,810 homozygotes.

Submissions (5):

GeneDx
Classification: Benign. Last evaluated: 2018-06-19. Review status: criteria provided, single submitter. Criteria: GeneDx Variant Classification (06012015). Collection method: clinical testing. Allele origin: germline. Affected: yes.
Comment: This variant is considered likely benign or benign based on one or more of the following criteria: it is a conservative change, it occurs at a poorly conserved position in the protein, it is predicted to be benign by multiple in silico algorithms, and/or has population frequency not consistent with disease.

Breakthrough Genomics
Classification: Benign. Review status: criteria provided, single submitter. Criteria: ACMG Guidelines, 2015. Collection method: not provided. Allele origin: germline. Inheritance: Autosomal recessive inheritance. Affected: yes.

Dr. Peter K. Rogan Lab, Western University
No classification provided (evidence only). Condition: Malignant lymphoma, large B-cell, diffuse. Review status: no classification provided. Collection method: in vitro. Allele origin: not applicable. Functional consequence: retained intron. Not counted in ClinVar's aggregate classification.

Dr. Peter K. Rogan Lab, Western University
No classification provided (evidence only). Condition: Malignant lymphoma, large B-cell, diffuse. Review status: no classification provided. Collection method: in vitro. Allele origin: not applicable. Functional consequence: retained intron. Not counted in ClinVar's aggregate classification.

Dr. Peter K. Rogan Lab, Western University
No classification provided (evidence only). Condition: Uveal melanoma. Review status: no classification provided. Collection method: in vitro. Allele origin: not applicable. Functional consequence: retained intron. Not counted in ClinVar's aggregate classification.